The following is an entry in ClinVar:

NM_004035.7(ACOX1):c.944G>A (p.Gly315Asp)

Gene: ACOX1 (acyl-CoA oxidase 1; minus strand). Cytogenetic location: 17q25.1.
Variant type: single nucleotide variant.
Coding change: c.944G>A on transcript NM_004035.7 (MANE Select); coding-DNA position 944, G replaced by A.
Protein change: p.Gly315Asp; replaces glycine 315 with aspartic acid.
Molecular consequence: missense variant.
Genome position (GRCh38, 1-based): chr17:75,953,451, C>T on the plus strand (G>A on the coding strand, the complement: ACOX1 is on the minus strand). VCF-style: chr17-75953451-C-T. GRCh37 (hg19) VCF-style: chr17-73949532-C-T.
Other names: c.830G>A, p.Gly277Asp (NM_001185039.2); c.944G>A, p.Gly315Asp (NM_007292.6); short protein forms G315D, G277D.
Identifiers: ClinVar variation 582387 (VCV000582387.8), dbSNP rs1567875611, ClinGen allele CA401065048.

ClinVar aggregate classification (germline): Uncertain significance (1 of 4 stars; one submission).

Conditions:
Acyl-CoA oxidase deficiency. Also called: Peroxisomal acyl-CoA oxidase deficiency; Pseudoneonatal adrenoleukodystrophy; STRAIGHT-CHAIN ACYL-CoA OXIDASE DEFICIENCY. Identifiers: Orphanet 2971, MedGen C1849678, MONDO:0009919, OMIM 264470. Disease mechanism: loss of function.

Submission:

Labcorp Genetics (formerly Invitae), Labcorp
Classification: Uncertain significance for Acyl-CoA oxidase deficiency. Last evaluated: 2023-07-03. Review status: criteria provided, single submitter. Criteria: Invitae Variant Classification Sherloc (09022015). Collection method: clinical testing. Allele origin: germline.
Comment: ClinVar contains an entry for this variant (Variation ID: 582387). In summary, the available evidence is currently insufficient to determine the role of this variant in disease. Therefore, it has been classified as a Variant of Uncertain Significance. Variants that disrupt the consensus splice site are a relatively common cause of aberrant splicing (PMID: 17576681, 9536098). Algorithms developed to predict the effect of missense changes on protein structure and function output the following: SIFT: "Not Available"; PolyPhen-2: "Benign"; Align-GVGD: "Not Available". The aspartic acid amino acid residue is found in multiple mammalian species, which suggests that this missense change does not adversely affect protein function. This variant has not been reported in the literature in individuals affected with ACOX1-related conditions. This variant is not present in population databases (gnomAD no frequency). This sequence change replaces glycine, which is neutral and non-polar, with aspartic acid, which is acidic and polar, at codon 315 of the ACOX1 protein (p.Gly315Asp). This variant also falls at the last nucleotide of exon 7, which is part of the consensus splice site for this exon.

Literature cited by the submitters: PubMed 17576681; PubMed 9536098.